The following is an entry in ClinVar:

ClinVar aggregate classification (germline): Uncertain significance (1 of 4 stars; one submission).

Conditions:
TTC21B-related disorder. Also called: TTC21B-related condition; TTC21B-related disorders.

Allele frequency attached by ClinVar (database versions not stated): ExAC 0.00001; TOPMed 0.00001; ESP Exome Variant Server 0.00008.

Submission:

PreventionGenetics, part of Exact Sciences
Classification: Uncertain significance for TTC21B-related condition. Last evaluated: 2025-12-22. Review status: criteria provided, single submitter. Criteria: ACMG Guidelines, 2015. Collection method: clinical testing. Allele origin: germline.
Comment: The TTC21B c.333A>T variant is predicted to result in the amino acid substitution p.Leu111Phe. To our knowledge, this variant has not been reported in the literature. This variant is reported in 0.0062% of alleles in individuals of African descent in gnomAD. At this time, the clinical significance of this variant is uncertain due to the absence of conclusive functional and genetic evidence.

NM_024753.5(TTC21B):c.333A>T (p.Leu111Phe)

Genes: TTC21B (tetratricopeptide repeat domain 21B; minus strand), TTC21B-AS1 (TTC21B antisense RNA 1; plus strand). Cytogenetic location: 2q24.3.
Variant type: single nucleotide variant.
Coding change: c.333A>T on transcript NM_024753.5 (MANE Select); coding-DNA position 333, A replaced by T.
Protein change: p.Leu111Phe; replaces leucine 111 with phenylalanine.
Molecular consequence: missense variant.
Genome position (GRCh38, 1-based): chr2:165,945,620, T>A on the plus strand (A>T on the coding strand, the complement: TTC21B is on the minus strand). VCF-style: chr2-165945620-T-A. GRCh37 (hg19) VCF-style: chr2-166802130-T-A.
Other names: short protein forms L111F.
Identifiers: ClinVar variation 2631477 (VCV002631477.2), dbSNP rs143352162, ClinGen allele CA1942473.